The following is an entry in ClinVar:

ClinVar aggregate classification (germline): Uncertain significance. Review status: criteria provided, multiple submitters, no conflicts (2 of 4 stars). 2 submissions from 2 submitters: Uncertain significance (2). Last evaluated 2023-11-30.

Conditions:
RYR1-related disorder. Also called: RYR1-related condition; RYR1-related disorders. Identifiers: MedGen CN239331.
Malignant hyperthermia, susceptibility to, 1 (MHS1). Also called: Anesthesia related hyperthermia; Malignant hyperpyrexia; Fulminating hyperpyrexia; Pharmacogenic myopathy; RYR1-Related Malignant Hyperthermia Susceptibility; Malignant hyperthermia suceptibility 1. Identifiers: Orphanet 423, MedGen C2930980, MONDO:0007783, OMIM 145600.

Allele frequency attached by ClinVar (database versions not stated): gnomAD exomes 0.00001.

Submissions (2):

All of Us Research Program, National Institutes of Health
Classification: Uncertain significance for Malignant hyperthermia, susceptibility to, 1. Last evaluated: 2023-11-30. Review status: criteria provided, single submitter. Criteria: ACMG Guidelines, 2015. Collection method: clinical testing. Allele origin: germline. Inheritance: Autosomal dominant inheritance. Observed: 1 variant allele, 1 heterozygote.
Comment: This study involves interpretation of variants in research participants for the purpose of population health screening. Participant phenotype was not available at the time of variant classification. Additional details can be found in publication PMID: 35346344, PMCID: PMC8962531

Labcorp Genetics (formerly Invitae), Labcorp
Classification: Uncertain significance for RYR1-related disorder. Last evaluated: 2023-10-17. Review status: criteria provided, single submitter. Criteria: Invitae Variant Classification Sherloc (09022015). Collection method: clinical testing. Allele origin: germline.
Comment: This sequence change replaces glutamic acid, which is acidic and polar, with lysine, which is basic and polar, at codon 827 of the RYR1 protein (p.Glu827Lys). This variant is present in population databases (no rsID available, gnomAD 0.0009%). This variant has not been reported in the literature in individuals affected with RYR1-related conditions. Advanced modeling of protein sequence and biophysical properties (such as structural, functional, and spatial information, amino acid conservation, physicochemical variation, residue mobility, and thermodynamic stability) has been performed at Invitae for this missense variant, however the output from this modeling did not meet the statistical confidence thresholds required to predict the impact of this variant on RYR1 protein function. In summary, the available evidence is currently insufficient to determine the role of this variant in disease. Therefore, it has been classified as a Variant of Uncertain Significance.

NM_000540.3(RYR1):c.2479G>A (p.Glu827Lys)

Gene: RYR1 (ryanodine receptor 1; plus strand). Cytogenetic location: 19q13.2.
Variant type: single nucleotide variant.
Coding change: c.2479G>A on transcript NM_000540.3 (MANE Select); coding-DNA position 2479, G replaced by A.
Protein change: p.Glu827Lys; replaces glutamic acid 827 with lysine.
Molecular consequence: missense variant.
Genome position (GRCh38, 1-based): chr19:38,460,493, G>A. VCF-style: chr19-38460493-G-A. GRCh37 (hg19) VCF-style: chr19-38951133-G-A.
Other names: c.2479G>A, p.Glu827Lys (NM_001042723.2); short protein forms E827K.
Identifiers: ClinVar variation 3002129 (VCV003002129.2), dbSNP rs1161548012, ClinGen allele CA405629454.
Genomic context (GRCh38, chr19:38,460,493, plus strand): 5'-TATGCTCCATGCCATGAGGCTGTGCTCCCTCGAGAGCGACTCCATCTTGAACCCATCAAG[G>A]AGTATCGACGGGAGGGGCCCCGGGGGCCTCACCTGGTGGGCCCCAGTCGCTGCCTCTCAC-3'
Protein context (NP_000531.2, residues 817-837): RERLHLEPIK[Glu827Lys]YRREGPRGPH